The following is an entry in ClinVar:

NM_005869.4(CWC27):c.939-40520G>T

Gene: CWC27 (CWC27 spliceosome associated cyclophilin; plus strand). Cytogenetic location: 5q12.3.
Variant type: single nucleotide variant.
Coding change: c.939-40520G>T on transcript NM_005869.4 (MANE Select); 40520 bases into the intron before coding-DNA position 939, G replaced by T.
Molecular consequence: intron variant. On other transcripts: missense variant (1).
Genome position (GRCh38, 1-based): chr5:64,844,923, G>T. VCF-style: chr5-64844923-G-T. GRCh37 (hg19) VCF-style: chr5-64140750-G-T.
Other names: c.939G>T, p.Arg313Ser (NM_001318000.2); c.939-40520G>T (NM_001297644.1, NM_001364478.1); short protein forms R313S.
Identifiers: ClinVar variation 4981356 (VCV004981356.1).

ClinVar aggregate classification (germline): Uncertain significance (1 of 4 stars; one submission).

Conditions:
CWC27-related disorder. Also called: CWC27-related condition.

gnomAD v4.1: 93 of 456,692 alleles (0.02%); highest among the groups gnomAD compares: Middle Eastern, 0.72%; 2 homozygotes.

Submission:

PreventionGenetics, part of Exact Sciences
Classification: Uncertain significance for CWC27-related condition. Last evaluated: 2026-02-03. Review status: criteria provided, single submitter. Criteria: ACMG Guidelines, 2015. Collection method: clinical testing. Allele origin: germline.
Comment: The CWC27 c.939G>T variant is predicted to result in the amino acid substitution p.Arg313Ser. To our knowledge, this variant has not been reported in the literature. This variant is present in 0.049% of alleles in individuals of South Asian descent in gnomAD. At this time, the clinical significance of this variant is uncertain due to the absence of conclusive functional and genetic evidence.